The following is an entry in ClinVar:

ClinVar aggregate classification (germline): Conflicting classifications of pathogenicity. Review status: criteria provided, conflicting classifications (1 of 4 stars). 6 submissions from 6 submitters: Pathogenic (1); Likely pathogenic (1); Uncertain significance (4). Last evaluated 2025-10-20.

Conditions:
Hereditary cancer-predisposing syndrome. Also called: Hereditary neoplastic syndrome; Neoplastic Syndromes, Hereditary; Hereditary Cancer Syndrome; Tumor predisposition. Identifiers: Orphanet 140162, MedGen C0027672, MeSH D009386, MONDO:0015356.
Familial colorectal cancer type X. Identifiers: Orphanet 440437, MedGen C3896578, MONDO:0018604.
Polymerase proofreading-related adenomatous polyposis. Also called: Polymerase proofreading associated polyposis; Polymerase proofreading–associated polyposis (PPAP). Identifiers: Orphanet 447877, MedGen C5202613, MONDO:0018653.

Submissions (6):

Ambry Genetics
Classification: Uncertain significance for Hereditary cancer-predisposing syndrome. Last evaluated: 2025-10-20. Review status: criteria provided, single submitter. Criteria: Ambry Variant Classification Scheme 2023. Collection method: clinical testing. Allele origin: germline.
Comment: The c.6623delA variant, located in coding exon 47 of the POLE gene, results from a deletion of one nucleotide at nucleotide position 6623, causing a translational frameshift with a predicted alternate stop codon (p.Q2208Rfs*4). This alteration is expected to result in loss of function by premature protein truncation or nonsense-mediated mRNA decay. Although biallelic loss of function of POLE has been associated with autosomal recessive POLE deficiency, haploinsufficiency of POLE has not been established as a mechanism of disease for POLE-related polymerase proofreading-associated polyposis (PPAP) and POLE-related CMMRD-like syndrome. Based on the supporting evidence, this variant is expected to be causative of POLE deficiency when present along with a second pathogenic variant on the other allele; however, its clinical significance for PPAP and POLE-related CMMRD-like syndrome is unclear.

Labcorp Genetics (formerly Invitae), Labcorp
Classification: Pathogenic. Last evaluated: 2025-09-16. Review status: criteria provided, single submitter. Criteria: Invitae Variant Classification Sherloc (09022015). Collection method: clinical testing. Allele origin: germline.
Comment: This sequence change creates a premature translational stop signal (p.Gln2208Argfs*4) in the POLE gene. It is expected to result in an absent or disrupted protein product. Loss-of-function variants in POLE are known to be pathogenic (PMID: 23230001, 25948378, 30503519). This variant is not present in population databases (gnomAD no frequency). This variant has not been reported in the literature in individuals affected with POLE-related conditions. ClinVar contains an entry for this variant (Variation ID: 493130). For these reasons, this variant has been classified as Pathogenic.

Department of Pathology and Laboratory Medicine, Sinai Health System
Classification: Uncertain significance for Polymerase proofreading-related adenomatous polyposis; Familial colorectal cancer type X. Last evaluated: 2023-03-08. Review status: criteria provided, single submitter. Criteria: ACMG Guidelines, 2015. Collection method: clinical testing. Allele origin: germline. Affected: yes.

Blueprint Genetics
Classification: Uncertain significance. Last evaluated: 2022-08-10. Review status: criteria provided, single submitter. Criteria: ACMG Guidelines, 2015. Collection method: clinical testing. Allele origin: germline.

CeGaT Center for Human Genetics Tuebingen
Classification: Likely pathogenic. Last evaluated: 2017-08-01. Review status: criteria provided, single submitter. Criteria: CeGaT Center For Human Genetics Tuebingen Variant Classification Criteria Version 2. Collection method: clinical testing. Allele origin: germline. Affected: yes. Observed: 1 variant allele.

Laboratory for Molecular Medicine, Mass General Brigham Personalized Medicine
Classification: Uncertain significance. Last evaluated: 2017-04-21. Review status: criteria provided, single submitter. Criteria: LMM Criteria. Collection method: clinical testing. Allele origin: germline. Observed: 1 variant allele.
Comment: The p.Gln2208fs variant in POLE has not been previously reported in individuals with colorectal cancer and was absent from large population studies. This varian t is predicted to cause a frameshift, which alters the protein?s amino acid sequ ence beginning at position 2208 and leads to a premature termination codon 4 ami no acids downstream. This alteration is then predicted to lead to a truncated or absent protein. Although this variant is expected to impact the protein, the PO LE gene has not yet been widely studied in patients (to date, virtually all vari ants reported in patients with colorectal cancer represent missense changes). In summary, the clinical significance of the p.Gln2208fs variant is uncertain.

Literature cited by the submitters: PubMed 23230001 (cited by Labcorp Genetics (formerly Invitae), Labcorp); PubMed 25948378 (cited by Labcorp Genetics (formerly Invitae), Labcorp); PubMed 30503519 (cited by Labcorp Genetics (formerly Invitae), Labcorp).

NM_006231.4(POLE):c.6623del (p.Gln2208fs)

Gene: POLE (DNA polymerase epsilon, catalytic subunit; minus strand). Cytogenetic location: 12q24.33.
Variant type: Deletion.
Coding change: c.6623del on transcript NM_006231.4 (MANE Select); coding-DNA position 6623, one base deleted (A; older notation c.6623delA).
Protein change: p.Gln2208fs; shifts the reading frame from glutamine 2208.
Molecular consequence: frameshift variant.
Genome position (GRCh38, 1-based): chr12:132,625,679, T deleted on the plus strand (A on the coding strand, the reverse complement: POLE is on the minus strand). VCF-style (leftmost placement, unchanged base first): chr12-132625678-CT-C. GRCh37 (hg19) VCF-style: chr12-133202264-CT-C.
Other names: short protein forms Q2208fs.
Identifiers: ClinVar variation 493130 (VCV000493130.57), dbSNP rs1555301070, ClinGen allele CA658683796.